The following is an entry in ClinVar:

ClinVar aggregate classification (germline): Benign/Likely benign. Review status: criteria provided, multiple submitters, no conflicts (2 of 4 stars). 12 submissions from 12 submitters: Benign (8); Likely benign (1). 3 of the submissions do not count toward it. Last evaluated 2026-01-31.

Conditions:
Spastic paraplegia. Identifiers: MedGen C0037772, HP:0001258.
Hereditary spastic paraplegia. Also called: Familial spastic paraparesis. Identifiers: Orphanet 685, MedGen C0037773, MONDO:0019064. Disease mechanism: loss of function.
Hereditary spastic paraplegia 15 (SPG15). Also called: KJELLIN SYNDROME; SPASTIC PARAPLEGIA 15, AUTOSOMAL RECESSIVE; SPASTIC PARAPLEGIA AND RETINAL DEGENERATION. Identifiers: Orphanet 100996, MedGen C1849128, MONDO:0010044, OMIM 270700.

Allele frequency attached by ClinVar (database versions not stated): gnomAD exomes 0.02461 and 0.01930; ESP Exome Variant Server 0.05190; 1000 Genomes Project 30x 0.06199; ExAC 0.02872; gnomAD 0.04741 and 0.04583; TOPMed 0.05061; 1000 Genomes Project 0.05851.
gnomAD v4.1: 35,411 of 1,613,908 alleles (2.2%); highest among the groups gnomAD compares: African/African-American, 12%; 844 homozygotes.

Submissions 1 to 28 of 46:

Labcorp Genetics (formerly Invitae), Labcorp
Classification: Benign for Spastic paraplegia. Last evaluated: 2026-01-31. Review status: criteria provided, single submitter. Criteria: Invitae Variant Classification Sherloc (09022015). Collection method: clinical testing. Allele origin: germline.

Blueprint Genetics
Classification: Likely benign. Last evaluated: 2024-11-27. Review status: criteria provided, single submitter. Criteria: ACMG Guidelines, 2015. Collection method: clinical testing. Allele origin: germline.

Genome-Nilou Lab
Classification: Benign for Hereditary spastic paraplegia 15. Last evaluated: 2021-12-05. Review status: criteria provided, single submitter. Criteria: ACMG Guidelines, 2015. Collection method: clinical testing. Allele origin: germline. Affected: no.

Illumina Laboratory Services, Illumina
Classification: Benign for Hereditary spastic paraplegia 15. Last evaluated: 2018-01-13. Review status: criteria provided, single submitter. Criteria: ICSL Variant Classification Criteria 13 December 2019. Collection method: clinical testing. Allele origin: germline.
Comment: This variant was observed in the ICSL laboratory as part of a predisposition screen in an ostensibly healthy population. It had not been previously curated by ICSL or reported in the Human Gene Mutation Database (HGMD: prior to June 1st, 2018), and was therefore a candidate for classification through an automated scoring system. Utilizing variant allele frequency, disease prevalence and penetrance estimates, and inheritance mode, an automated score was calculated to assess if this variant is too frequent to cause the disease. Based on the score and internal cut-off values, a variant classified as benign is not then subjected to further curation. The score for this variant resulted in a classification of benign for this disease.

Athena Diagnostics
Classification: Benign. Last evaluated: 2017-09-30. Review status: criteria provided, single submitter. Criteria: Athena Diagnostics Criteria. Collection method: clinical testing. Allele origin: germline.

Genome Diagnostics Laboratory, The Hospital for Sick Children
Classification: Benign for Hereditary spastic paraplegia. Last evaluated: 2016-12-12. Review status: criteria provided, single submitter. Criteria: ACMG Guidelines, 2015. Collection method: clinical testing. Allele origin: germline. Affected: yes.

Mayo Clinic Laboratories, Mayo Clinic
Classification: Benign. Last evaluated: 2016-05-26. Review status: criteria provided, single submitter. Criteria: ACMG Guidelines, 2015. Collection method: clinical testing. Allele origin: germline. Observed: 76 variant alleles.

GeneDx
Classification: Benign. Last evaluated: 2016-05-25. Review status: criteria provided, single submitter. Criteria: GeneDx Variant Classification (06012015). Collection method: clinical testing. Allele origin: germline. Affected: yes.
Comment: This variant is considered likely benign or benign based on one or more of the following criteria: it is a conservative change, it occurs at a poorly conserved position in the protein, it is predicted to be benign by multiple in silico algorithms, and/or has population frequency not consistent with disease.

Breakthrough Genomics
Classification: Benign. Review status: criteria provided, single submitter. Criteria: ACMG Guidelines, 2015. Collection method: not provided. Allele origin: germline. Inheritance: Autosomal recessive inheritance. Affected: yes.

Dr. Peter K. Rogan Lab, Western University
No classification provided (evidence only). Condition: Clear cell carcinoma of kidney. Review status: no classification provided. Collection method: in vitro. Allele origin: not applicable. Functional consequence: skipped exon. Not counted in ClinVar's aggregate classification.

Dr. Peter K. Rogan Lab, Western University
No classification provided (evidence only). Condition: Clear cell carcinoma of kidney. Review status: no classification provided. Collection method: in vitro. Allele origin: not applicable. Functional consequence: skipped exon. Not counted in ClinVar's aggregate classification.

Dr. Peter K. Rogan Lab, Western University
No classification provided (evidence only). Condition: Clear cell carcinoma of kidney. Review status: no classification provided. Collection method: in vitro. Allele origin: not applicable. Functional consequence: skipped exon. Not counted in ClinVar's aggregate classification.

Dr. Peter K. Rogan Lab, Western University
No classification provided (evidence only). Condition: Acute myeloid leukemia. Review status: no classification provided. Collection method: in vitro. Allele origin: not applicable. Functional consequence: retained intron. Not counted in ClinVar's aggregate classification.

Dr. Peter K. Rogan Lab, Western University
No classification provided (evidence only). Condition: Acute myeloid leukemia. Review status: no classification provided. Collection method: in vitro. Allele origin: not applicable. Functional consequence: skipped exon. Not counted in ClinVar's aggregate classification.

Dr. Peter K. Rogan Lab, Western University
No classification provided (evidence only). Condition: Acute myeloid leukemia. Review status: no classification provided. Collection method: in vitro. Allele origin: not applicable. Functional consequence: skipped exon, retained intron. Not counted in ClinVar's aggregate classification.

Dr. Peter K. Rogan Lab, Western University
No classification provided (evidence only). Condition: Acute myeloid leukemia. Review status: no classification provided. Collection method: in vitro. Allele origin: not applicable. Functional consequence: retained intron. Not counted in ClinVar's aggregate classification.

Dr. Peter K. Rogan Lab, Western University
No classification provided (evidence only). Condition: Acute myeloid leukemia. Review status: no classification provided. Collection method: in vitro. Allele origin: not applicable. Functional consequence: skipped exon. Not counted in ClinVar's aggregate classification.

Dr. Peter K. Rogan Lab, Western University
No classification provided (evidence only). Condition: Acute myeloid leukemia. Review status: no classification provided. Collection method: in vitro. Allele origin: not applicable. Functional consequence: retained intron. Not counted in ClinVar's aggregate classification.

Dr. Peter K. Rogan Lab, Western University
No classification provided (evidence only). Condition: Colon adenocarcinoma. Review status: no classification provided. Collection method: in vitro. Allele origin: not applicable. Functional consequence: retained intron. Not counted in ClinVar's aggregate classification.

Dr. Peter K. Rogan Lab, Western University
No classification provided (evidence only). Condition: Thyroid cancer, nonmedullary, 1. Review status: no classification provided. Collection method: in vitro. Allele origin: not applicable. Functional consequence: retained intron. Not counted in ClinVar's aggregate classification.

Dr. Peter K. Rogan Lab, Western University
No classification provided (evidence only). Condition: Thyroid cancer, nonmedullary, 1. Review status: no classification provided. Collection method: in vitro. Allele origin: not applicable. Functional consequence: skipped exon. Not counted in ClinVar's aggregate classification.

Dr. Peter K. Rogan Lab, Western University
No classification provided (evidence only). Condition: Thyroid cancer, nonmedullary, 1. Review status: no classification provided. Collection method: in vitro. Allele origin: not applicable. Functional consequence: retained intron. Not counted in ClinVar's aggregate classification.

Dr. Peter K. Rogan Lab, Western University
No classification provided (evidence only). Condition: Thyroid cancer, nonmedullary, 1. Review status: no classification provided. Collection method: in vitro. Allele origin: not applicable. Functional consequence: retained intron. Not counted in ClinVar's aggregate classification.

Dr. Peter K. Rogan Lab, Western University
No classification provided (evidence only). Condition: Thyroid cancer, nonmedullary, 1. Review status: no classification provided. Collection method: in vitro. Allele origin: not applicable. Functional consequence: retained intron. Not counted in ClinVar's aggregate classification.

Dr. Peter K. Rogan Lab, Western University
No classification provided (evidence only). Condition: Uterine corpus endometrial carcinoma. Review status: no classification provided. Collection method: in vitro. Allele origin: not applicable. Functional consequence: retained intron. Not counted in ClinVar's aggregate classification.

Dr. Peter K. Rogan Lab, Western University
No classification provided (evidence only). Condition: Uterine corpus endometrial carcinoma. Review status: no classification provided. Collection method: in vitro. Allele origin: not applicable. Functional consequence: retained intron. Not counted in ClinVar's aggregate classification.

Dr. Peter K. Rogan Lab, Western University
No classification provided (evidence only). Condition: Cervical cancer. Review status: no classification provided. Collection method: in vitro. Allele origin: not applicable. Functional consequence: skipped exon. Not counted in ClinVar's aggregate classification.

Dr. Peter K. Rogan Lab, Western University
No classification provided (evidence only). Condition: Cervical cancer. Review status: no classification provided. Collection method: in vitro. Allele origin: not applicable. Functional consequence: skipped exon, retained intron. Not counted in ClinVar's aggregate classification.

NM_015346.4(ZFYVE26):c.3365C>T (p.Ala1122Val)

Gene: ZFYVE26 (zinc finger FYVE-type containing 26; minus strand). Cytogenetic location: 14q24.1.
Variant type: single nucleotide variant.
Coding change: c.3365C>T on transcript NM_015346.4 (MANE Select); coding-DNA position 3365, C replaced by T.
Protein change: p.Ala1122Val; replaces alanine 1122 with valine.
Molecular consequence: missense variant.
Genome position (GRCh38, 1-based): chr14:67,785,217, G>A on the plus strand (C>T on the coding strand, the complement: ZFYVE26 is on the minus strand). VCF-style: chr14-67785217-G-A. GRCh37 (hg19) VCF-style: chr14-68251934-G-A.
Other names: p.Ala1122Val; short protein forms A1122V.
Identifiers: ClinVar variation 130781 (VCV000130781.31), dbSNP rs3742884, ClinGen allele CA156059.
Genomic context (GRCh38, chr14:67,785,217, plus strand): 5'-GTCTGTTTGCCCAGGTTCTTCTGGAGGAGCTGAGTCTGGATCTGCACAGGGTGGGCCTCT[G>A]CCTCTGGAGCTTTCTGGGCTGCCTGCTCCACCAGGGAAGACAGTGGAGGAGTCCTGGGCT-3'
Protein context (NP_056161.2, residues 1112-1132): VEQAAQKAPE[Ala1122Val]EAHPVQIQTQ